The following is an entry in ClinVar:

NM_021971.4(GMPPB):c.1051_1054dup (p.Ser352Ter)

Gene: GMPPB (GDP-mannose pyrophosphorylase B; minus strand). Cytogenetic location: 3p21.31.
Variant type: Duplication.
Coding change: c.1051_1054dup on transcript NM_021971.4 (MANE Select); coding-DNA positions 1051 to 1054, 4 bases duplicated (GAGT; older notation c.1051_1054dupGAGT).
Protein change: p.Ser352Ter; replaces serine 352 with a stop codon.
Molecular consequence: nonsense.
Genome position (GRCh38, 1-based): chr3:49,721,781-49,721,784, ACTC duplicated on the plus strand (GAGT on the coding strand, the reverse complement: GMPPB is on the minus strand). VCF-style (leftmost placement, unchanged base first): chr3-49721780-G-GACTC. GRCh37 (hg19) VCF-style: chr3-49759213-G-GACTC.
Other names: c.1132_1135dup, p.Ser379Ter (NM_013334.4); short protein forms S352*, S379*.
Identifiers: ClinVar variation 1948644 (VCV001948644.5), dbSNP rs769459081, ClinGen allele CA2405357.

ClinVar aggregate classification (germline): Pathogenic (1 of 4 stars; one submission).

Conditions:
Muscular dystrophy-dystroglycanopathy (congenital with impaired intellectual development), type B, 14. Also called: MUSCULAR DYSTROPHY, CONGENITAL, GMPPB-RELATED; Congenital muscular dystrophy-dystroglycanopathy with mental retardation, type B14; Muscular dystrophy-dystroglycanopathy (congenital with intellectual disability), type B14. Identifiers: MedGen C3809221, MONDO:0014141, OMIM 615351.
Muscular dystrophy-dystroglycanopathy (congenital with brain and eye anomalies), type A14. Also called: WALKER-WARBURG SYNDROME OR MUSCLE-EYE-BRAIN DISEASE, GMPPB-RELATED; Muscular dystrophy-dystroglycanopathy (congenital with brain and eye anomalies), type a, 14; Congenital Muscular Dystrophy-Dystroglycanopathy with Brain and Eye Anomalies Type A 14; Congenital muscular dystrophy-dystroglycanopathy with brain and eye anomalies, type A14. Identifiers: Orphanet 588, MedGen C3809216, MONDO:0014140, OMIM 615350.
Autosomal recessive limb-girdle muscular dystrophy type 2T. Also called: MUSCULAR DYSTROPHY-DYSTROGLYCANOPATHY, LIMB-GIRDLE, GMPPB-RELATED; MUSCULAR DYSTROPHY, LIMB-GIRDLE, TYPE 2T; Muscular dystrophy-dystroglycanopathy (limb-girdle), type c, 14; Limb-girdle muscular dystrophy-dystroglycanopathy, type C14. Identifiers: Orphanet 363623, MedGen C4518000, MONDO:0014142, OMIM 615352.

Allele frequency attached by ClinVar (database versions not stated): gnomAD exomes 0.00001; ExAC 0.00003.

Submission:

Labcorp Genetics (formerly Invitae), Labcorp
Classification: Pathogenic for Autosomal recessive limb-girdle muscular dystrophy type 2T; Muscular dystrophy-dystroglycanopathy (congenital with brain and eye anomalies), type A14; Muscular dystrophy-dystroglycanopathy (congenital with impaired intellectual development), type B, 14. Last evaluated: 2022-08-17. Review status: criteria provided, single submitter. Criteria: Invitae Variant Classification Sherloc (09022015). Collection method: clinical testing. Allele origin: germline.
Comment: This variant has not been reported in the literature in individuals affected with GMPPB-related conditions. This variant is present in population databases (rs769459081, gnomAD 0.01%). This sequence change creates a premature translational stop signal (p.Ser352*) in the GMPPB gene. While this is not anticipated to result in nonsense mediated decay, it is expected to disrupt the last 9 amino acid(s) of the GMPPB protein. Experimental studies and prediction algorithms are not available or were not evaluated, and the functional significance of this variant is currently unknown. For these reasons, this variant has been classified as Pathogenic. This variant disrupts a region of the GMPPB protein in which other variant(s) (p.Arg357His) have been determined to be pathogenic (PMID: 28433477, 33756069). This suggests that this is a clinically significant region of the protein, and that variants that disrupt it are likely to be disease-causing.

Literature cited by the submitters: PubMed 28433477; PubMed 33756069.